The following is an entry in ClinVar:

NM_000138.5(FBN1):c.5430C>T (p.Asp1810=)

Gene: FBN1 (fibrillin 1; minus strand). Cytogenetic location: 15q21.1.
Variant type: single nucleotide variant.
Coding change: c.5430C>T on transcript NM_000138.5 (MANE Select); coding-DNA position 5430, C replaced by T.
Protein change: p.Asp1810=; no amino-acid change (aspartic acid 1810 retained).
Molecular consequence: synonymous variant.
Genome position (GRCh38, 1-based): chr15:48,452,677, G>A on the plus strand (C>T on the coding strand, the complement: FBN1 is on the minus strand). VCF-style: chr15-48452677-G-A. GRCh37 (hg19) VCF-style: chr15-48744874-G-A.
Identifiers: ClinVar variation 515024 (VCV000515024.18), dbSNP rs765338162, ClinGen allele CA054963.

ClinVar aggregate classification (germline): Likely benign. Review status: criteria provided, multiple submitters, no conflicts (2 of 4 stars). 6 submissions from 6 submitters: Likely benign (6). Last evaluated 2024-01-11.

Conditions:
Familial thoracic aortic aneurysm and aortic dissection (TAAD). Also called: Thoracic aortic aneurysms and dissections. Identifiers: Orphanet 91387, MedGen C4707243, MONDO:0019625.
Marfan syndrome (MFS). Also called: Marfan syndrome type 1; Marfan syndrome, classic; Marfan's syndrome; FBN1-Related Marfan Syndrome; MARFAN SYNDROME, TYPE I. Identifiers: Orphanet 284963, Orphanet 558, MedGen C0024796, MONDO:0007947, OMIM 154700.

Allele frequency attached by ClinVar (database versions not stated): gnomAD 0.00001; gnomAD exomes 0.00002 and 0.00003; ExAC 0.00003; TOPMed 0.00005.
gnomAD v4.1: 33 of 1,613,974 alleles (0.002%); highest among the groups gnomAD compares: South Asian, 0.014%; no homozygotes.

Submissions (6):

All of Us Research Program, National Institutes of Health
Classification: Likely benign for Marfan syndrome. Last evaluated: 2024-01-11. Review status: criteria provided, single submitter. Criteria: ACMG Guidelines, 2015. Collection method: clinical testing. Allele origin: germline. Inheritance: Autosomal dominant inheritance. Observed: 2 variant alleles, 2 heterozygotes.
Comment: This study involves interpretation of variants in research participants for the purpose of population health screening. Participant phenotype was not available at the time of variant classification. Additional details can be found in publication PMID: 35346344, PMCID: PMC8962531

Labcorp Genetics (formerly Invitae), Labcorp
Classification: Likely benign for Marfan syndrome; Familial thoracic aortic aneurysm and aortic dissection. Last evaluated: 2023-12-12. Review status: criteria provided, single submitter. Criteria: Invitae Variant Classification Sherloc (09022015). Collection method: clinical testing. Allele origin: germline.

Women's Health and Genetics/Laboratory Corporation of America, LabCorp
Classification: Likely benign. Last evaluated: 2023-07-30. Review status: criteria provided, single submitter. Criteria: LabCorp Variant Classification Summary - May 2015. Collection method: clinical testing. Allele origin: germline.

Ambry Genetics
Classification: Likely benign for Familial thoracic aortic aneurysm and aortic dissection. Last evaluated: 2020-09-15. Review status: criteria provided, single submitter. Criteria: Ambry Variant Classification Scheme 2023. Collection method: clinical testing. Allele origin: germline.

GeneDx
Classification: Likely benign. Last evaluated: 2019-07-08. Review status: criteria provided, single submitter. Criteria: GeneDx Variant Classification Process June 2021. Collection method: clinical testing. Allele origin: germline. Affected: yes.

Color Diagnostics, LLC DBA Color Health
Classification: Likely benign for Familial thoracic aortic aneurysm and aortic dissection. Last evaluated: 2019-03-08. Review status: criteria provided, single submitter. Criteria: ACMG Guidelines, 2015. Collection method: clinical testing. Allele origin: germline.